The following is an entry in ClinVar:

ClinVar aggregate classification (germline): Benign (1 of 4 stars; one submission).

Allele frequency attached by ClinVar (database versions not stated): 1000 Genomes Project 30x 0.00312; 1000 Genomes Project 0.00379; TOPMed 0.00683; ESP Exome Variant Server 0.01004; gnomAD 0.01085; ExAC 0.01265.
gnomAD v4.1: 16,635 of 1,445,584 alleles (1.2%); highest among the groups gnomAD compares: Non-Finnish European, 1.2%; 180 homozygotes.

Submission:

CeGaT Center for Human Genetics Tuebingen
Classification: Benign. Last evaluated: 2025-07-01. Review status: criteria provided, single submitter. Criteria: CeGaT Center For Human Genetics Tuebingen Variant Classification Criteria Version 2. Collection method: clinical testing. Allele origin: germline. Affected: yes. Observed: 9 variant alleles.
Comment: ERGIC1: BP4, BS1, BS2

NM_001031711.3(ERGIC1):c.375+128C>T

Gene: ERGIC1 (endoplasmic reticulum-golgi intermediate compartment 1; plus strand). Cytogenetic location: 5q35.1.
Variant type: single nucleotide variant.
Coding change: c.375+128C>T on transcript NM_001031711.3 (MANE Select); 128 bases into the intron after coding-DNA position 375, C replaced by T.
Molecular consequence: intron variant.
Genome position (GRCh38, 1-based): chr5:172,914,966, C>T. VCF-style: chr5-172914966-C-T. GRCh37 (hg19) VCF-style: chr5-172341969-C-T.
Identifiers: ClinVar variation 2656079 (VCV002656079.24), dbSNP rs62387381, ClinGen allele CA3562299.